The following is an entry in ClinVar:

NM_000064.4(C3):c.361G>T (p.Val121Leu)

Gene: C3 (complement C3; minus strand). Cytogenetic location: 19p13.3.
Variant type: single nucleotide variant.
Coding change: c.361G>T on transcript NM_000064.4 (MANE Select); coding-DNA position 361, G replaced by T.
Protein change: p.Val121Leu; replaces valine 121 with leucine.
Molecular consequence: missense variant.
Genome position (GRCh38, 1-based): chr19:6,718,319, C>A on the plus strand (G>T on the coding strand, the complement: C3 is on the minus strand). VCF-style: chr19-6718319-C-A. GRCh37 (hg19) VCF-style: chr19-6718330-C-A.
Other names: short protein forms V121L.
Identifiers: ClinVar variation 1426386 (VCV001426386.8), dbSNP rs2145436858, ClinGen allele CA403645172.

ClinVar aggregate classification (germline): Uncertain significance (1 of 4 stars; one submission).

Submission:

Labcorp Genetics (formerly Invitae), Labcorp
Classification: Uncertain significance. Last evaluated: 2020-12-17. Review status: criteria provided, single submitter. Criteria: Invitae Variant Classification Sherloc (09022015). Collection method: clinical testing. Allele origin: germline.
Comment: Algorithms developed to predict the effect of missense changes on protein structure and function (SIFT, PolyPhen-2, Align-GVGD) all suggest that this variant is likely to be tolerated, but these predictions have not been confirmed by published functional studies and their clinical significance is uncertain. In summary, the available evidence is currently insufficient to determine the role of this variant in disease. Therefore, it has been classified as a Variant of Uncertain Significance. This variant has not been reported in the literature in individuals with C3-related conditions. This variant is not present in population databases (ExAC no frequency). This sequence change replaces valine with leucine at codon 121 of the C3 protein (p.Val121Leu). The valine residue is highly conserved and there is a small physicochemical difference between valine and leucine.